The following is an entry in ClinVar:

NM_000384.3(APOB):c.2143G>A (p.Val715Ile)

Gene: APOB (apolipoprotein B; minus strand). Cytogenetic location: 2p24.1.
Variant type: single nucleotide variant.
Coding change: c.2143G>A on transcript NM_000384.3 (MANE Select); coding-DNA position 2143, G replaced by A.
Protein change: p.Val715Ile; replaces valine 715 with isoleucine.
Molecular consequence: missense variant.
Genome position (GRCh38, 1-based): chr2:21,026,889, C>T on the plus strand (G>A on the coding strand, the complement: APOB is on the minus strand). VCF-style: chr2-21026889-C-T. GRCh37 (hg19) VCF-style: chr2-21249761-C-T.
Other names: short protein forms V715I.
Identifiers: ClinVar variation 3933930 (VCV003933930.4).

ClinVar aggregate classification (germline): Conflicting classifications of pathogenicity. Review status: criteria provided, conflicting classifications (1 of 4 stars). 3 submissions from 3 submitters: Uncertain significance (2); Likely benign (1). Last evaluated 2026-03-12.

Conditions:
Familial hypobetalipoproteinemia 1. Also called: Hypobetalipoproteinemia, normotriglyceridemic; Acanthocytosis with hypobetalipoproteinemia; APOB-Related Familial Hypobetalipoproteinemia. Identifiers: MedGen C4551990, MONDO:0014252, OMIM 615558.
Hypercholesterolemia, autosomal dominant, type B (FHCL2). Also called: Familial Hypercholesterolemia Type B; APOLIPOPROTEIN B-100, FAMILIAL DEFECTIVE; APOLIPOPROTEIN B-100, FAMILIAL LIGAND-DEFECTIVE; HYPERCHOLESTEROLEMIA, FAMILIAL, DUE TO LIGAND-DEFECTIVE APOLIPOPROTEIN B; Hyperlipoproteinemia Type IIb; Familial hypercholesterolemia 2. Identifiers: MedGen C1704417, MONDO:0007751, OMIM 144010.
Cardiovascular phenotype. Identifiers: MedGen CN230736.

gnomAD v4.1: 3 of 1,614,164 alleles (0.00019%); highest among the groups gnomAD compares: Admixed American, 0.0017%; no homozygotes.

Submissions (3):

Ambry Genetics
Classification: Uncertain significance for Cardiovascular phenotype. Last evaluated: 2026-03-12. Review status: criteria provided, single submitter. Criteria: Ambry Variant Classification Scheme 2023. Collection method: clinical testing. Allele origin: germline.
Comment: The p.V715I variant (also known as c.2143G>A), located in coding exon 15 of the APOB gene, results from a G to A substitution at nucleotide position 2143. The valine at codon 715 is replaced by isoleucine, an amino acid with highly similar properties. This amino acid position is conserved. In addition, this alteration is predicted to be tolerated by in silico analysis. Based on the available evidence, the clinical significance of this variant remains unclear.

Labcorp Genetics (formerly Invitae), Labcorp
Classification: Likely benign for Familial hypobetalipoproteinemia 1; Hypercholesterolemia, autosomal dominant, type B. Last evaluated: 2025-04-01. Review status: criteria provided, single submitter. Criteria: Invitae Variant Classification Sherloc (09022015). Collection method: clinical testing. Allele origin: germline.

Blueprint Genetics
Classification: Uncertain significance. Last evaluated: 2020-04-07. Review status: criteria provided, single submitter. Criteria: ACMG Guidelines, 2015. Collection method: clinical testing. Allele origin: germline.